The following is an entry in ClinVar:

GRCh38/hg38 22q11.21(chr22:20711594-21101267)x1

Genes: AIFM3 (AIF family member 3; plus strand), CRKL (CRK like proto-oncogene, adaptor protein; plus strand), LINC01637 (long independently transcribed non-coding RNA 1637; plus strand), LRRC74B (leucine rich repeat containing 74B; plus strand), LRRC74BNL (LRRC74B N-terminal like; minus strand) and 32 more. Cytogenetic location: 22q11.21.
Variant type: copy number loss.
Change: copy number 1 (one copy instead of two) of chr22:20,711,594-21,101,267 (389.7 kb, GRCh38 coordinates, 1-based), cytogenetic band 22q11.21.
Identifiers: ClinVar variation 59237 (VCV000059237.2).

ClinVar aggregate classification (germline): Pathogenic (1 of 4 stars; one submission).

Submission:

ISCA Site 6
Classification: Pathogenic. Last evaluated: 2011-08-12. Review status: criteria provided, single submitter. Criteria: Kaminsky et al. (Genet Med. 2011). Collection method: clinical testing. Allele origin: unknown, de novo. Affected: yes. Observed: 2 variant alleles.
Comment: Copy number variation identified through the course of routine clinical cytogenomic testing in postnatal populations. Clinical assertions have been curated as described in Kaminsky et al. 2011.